The following is an entry in ClinVar:

ClinVar aggregate classification (germline): Uncertain significance. Review status: criteria provided, multiple submitters, no conflicts (2 of 4 stars). 3 submissions from 3 submitters: Uncertain significance (2). 1 of the submissions does not count toward it. Last evaluated 2025-10-13.

Conditions:
Bloom syndrome (BLM). Also called: Bloom-Torre-Machacek syndrome. Identifiers: Orphanet 125, MedGen C0005859, MONDO:0008876, OMIM 210900.
Hereditary cancer-predisposing syndrome. Also called: Neoplastic Syndromes, Hereditary; Hereditary Cancer Syndrome; Hereditary neoplastic syndrome; Tumor predisposition. Identifiers: Orphanet 140162, MedGen C0027672, MeSH D009386, MONDO:0015356.

gnomAD v4.1: 7 of 1,614,196 alleles (0.00043%); highest among the groups gnomAD compares: Non-Finnish European, 0.00059%; no homozygotes.

Submissions (3):

Labcorp Genetics (formerly Invitae), Labcorp
Classification: Uncertain significance for Bloom syndrome. Last evaluated: 2025-10-13. Review status: criteria provided, single submitter. Criteria: Invitae Variant Classification Sherloc (09022015). Collection method: clinical testing. Allele origin: germline.
Comment: This sequence change replaces glutamine, which is neutral and polar, with arginine, which is basic and polar, at codon 1343 of the BLM protein (p.Gln1343Arg). This variant is not present in population databases (gnomAD no frequency). This variant has not been reported in the literature in individuals affected with BLM-related conditions. ClinVar contains an entry for this variant (Variation ID: 1061952). Invitae Evidence Modeling of protein sequence and biophysical properties (such as structural, functional, and spatial information, amino acid conservation, physicochemical variation, residue mobility, and thermodynamic stability) indicates that this missense variant is not expected to disrupt BLM protein function with a negative predictive value of 80%. In summary, the available evidence is currently insufficient to determine the role of this variant in disease. Therefore, it has been classified as a Variant of Uncertain Significance.

Ambry Genetics
Classification: Uncertain significance for Hereditary cancer-predisposing syndrome. Last evaluated: 2022-07-19. Review status: criteria provided, single submitter. Criteria: Ambry Variant Classification Scheme 2023. Collection method: clinical testing. Allele origin: germline.
Comment: The p.Q1343R variant (also known as c.4028A>G), located in coding exon 20 of the BLM gene, results from an A to G substitution at nucleotide position 4028. The glutamine at codon 1343 is replaced by arginine, an amino acid with highly similar properties. This amino acid position is conserved. In addition, this alteration is predicted to be tolerated by in silico analysis. Since supporting evidence is limited at this time, the clinical significance of this alteration remains unclear.

Natera, Inc.
Classification: Uncertain significance for Bloom syndrome. Last evaluated: 2019-07-22. Review status: no assertion criteria provided. Collection method: clinical testing. Allele origin: germline. Not counted in ClinVar's aggregate classification.

NM_000057.4(BLM):c.4028A>G (p.Gln1343Arg)

Gene: BLM (BLM RecQ like helicase; plus strand). Cytogenetic location: 15q26.1.
Variant type: single nucleotide variant.
Coding change: c.4028A>G on transcript NM_000057.4 (MANE Select); coding-DNA position 4028, A replaced by G.
Protein change: p.Gln1343Arg; replaces glutamine 1343 with arginine.
Molecular consequence: missense variant.
Genome position (GRCh38, 1-based): chr15:90,811,358, A>G. VCF-style: chr15-90811358-A-G. GRCh37 (hg19) VCF-style: chr15-91354588-A-G.
Other names: c.4028A>G (NM_000057.2); c.4028A>G, p.Gln1343Arg (NM_001287246.2); c.3635A>G, p.Gln1212Arg (NM_001287247.2); c.2903A>G, p.Gln968Arg (NM_001287248.2); short protein forms Q1212R, Q1343R, Q968R.
Identifiers: ClinVar variation 1061952 (VCV001061952.12), dbSNP rs2151199942, ClinGen allele CA393851344.